The following is an entry in ClinVar:

ClinVar aggregate classification (germline): Pathogenic/Likely pathogenic. Review status: criteria provided, multiple submitters, no conflicts (2 of 4 stars). 8 submissions from 8 submitters: Pathogenic (5); Likely pathogenic (1). 2 of the submissions do not count toward it. Last evaluated 2025-12-17.

Conditions:
ADAMTSL4-related disorder. Also called: ADAMTSL4-Related Disorders; ADAMTSL4-related condition.

Submissions (8):

Dasa
Classification: Pathogenic. Last evaluated: 2025-12-17. Review status: criteria provided, single submitter. Criteria: DASA Assertion Criteria. Collection method: clinical testing. Allele origin: germline.
Comment: NM_019032.6(ADAMTSL4):c.963dup (p.Thr322Aspfs*10) introduces a premature termination codon predicted to result in loss of normal protein function. Loss-of-function is an established mechanism of disease for this gene. This variant has been reported in an affected individual with related phenotype in a genotype context consistent with recessive disease (PMID: 34818515). The variant is present at low frequency in population datasets. Based on the available data, this variant is classified as pathogenic.

PreventionGenetics, part of Exact Sciences
Classification: Pathogenic for ADAMTSL4-related condition. Last evaluated: 2025-09-17. Review status: criteria provided, single submitter. Criteria: ACMG Guidelines, 2015. Collection method: clinical testing. Allele origin: germline.
Comment: The ADAMTSL4 c.963dupG variant is predicted to result in a frameshift and premature protein termination (p.Thr322Aspfs*10). This variant was reported an individual with ectopia lentis (reported as c.957dupG, Chen et al. 2022. PubMed ID: 34818515). This variant is reported in 0.0088% of alleles in individuals of African descent in gnomAD. Frameshift variants in ADAMTSL4 are expected to be pathogenic (Overwater et al. 2017. PubMed ID: 28642162). This variant is interpreted as pathogenic.

GeneDx
Classification: Pathogenic. Last evaluated: 2025-07-28. Review status: criteria provided, single submitter. Criteria: GeneDx Variant Classification Process June 2021. Collection method: clinical testing. Allele origin: germline. Affected: yes.
Comment: Frameshift variant predicted to result in protein truncation or nonsense mediated decay in a gene for which loss of function is a known mechanism of disease; This variant is associated with the following publications: (PMID: 38523675, 34818515, 36208099)

Women's Health and Genetics/Laboratory Corporation of America, LabCorp
Classification: Pathogenic for ADAMTSL4-Related Disorders. Last evaluated: 2024-11-12. Review status: criteria provided, single submitter. Criteria: LabCorp Variant Classification Summary - May 2015. Collection method: clinical testing. Allele origin: germline.
Comment: Variant summary: ADAMTSL4 c.963dupG (p.Thr322AspfsX10) results in a premature termination codon, predicted to cause a truncation of the encoded protein or absence of the protein due to nonsense mediated decay, which are commonly known mechanisms for disease. The variant allele was found at a frequency of 2.1e-05 in 234044 control chromosomes. c.963dupG has been reported in the literature in at least one compound heterozygous individual affected with congenital ectopia lentis (e.g. Chen_2022). To our knowledge, no experimental evidence demonstrating an impact on protein function has been reported. The following publication has been ascertained in the context of this evaluation (PMID: 34818515). ClinVar contains an entry for this variant (Variation ID: 1032056). Based on the evidence outlined above, the variant was classified as pathogenic.

Labcorp Genetics (formerly Invitae), Labcorp
Classification: Pathogenic. Last evaluated: 2024-02-14. Review status: criteria provided, single submitter. Criteria: Invitae Variant Classification Sherloc (09022015). Collection method: clinical testing. Allele origin: germline.
Comment: This sequence change creates a premature translational stop signal (p.Thr322Aspfs*10) in the ADAMTSL4 gene. It is expected to result in an absent or disrupted protein product. Loss-of-function variants in ADAMTSL4 are known to be pathogenic (PMID: 20564469, 28642162). The frequency data for this variant in the population databases is considered unreliable, as metrics indicate poor data quality at this position in the gnomAD database. This variant has not been reported in the literature in individuals affected with ADAMTSL4-related conditions. ClinVar contains an entry for this variant (Variation ID: 1032056). For these reasons, this variant has been classified as Pathogenic.

Blueprint Genetics
Classification: Likely pathogenic for ADAMTSL4-related disorders. Last evaluated: 2023-03-08. Review status: criteria provided, single submitter. Criteria: ACMG Guidelines, 2015. Collection method: clinical testing. Allele origin: germline. Affected: yes. Observed: 3 variant alleles.

Clinical Genetics DNA and cytogenetics Diagnostics Lab, Erasmus MC, Erasmus Medical Center
Classification: Pathogenic. Review status: no assertion criteria provided. Collection method: clinical testing. Allele origin: germline. Affected: yes. Study: VKGL Data-share Consensus. Not counted in ClinVar's aggregate classification.

Genome Diagnostics Laboratory, Amsterdam University Medical Center
Classification: Pathogenic. Review status: no assertion criteria provided. Collection method: clinical testing. Allele origin: germline. Affected: yes. Study: VKGL Data-share Consensus. Not counted in ClinVar's aggregate classification.

Literature cited by the submitters: PubMed 34818515 (cited by Dasa and Women's Health and Genetics/Laboratory Corporation of America, LabCorp); PubMed 20564469 (cited by Labcorp Genetics (formerly Invitae), Labcorp); PubMed 28642162 (cited by Labcorp Genetics (formerly Invitae), Labcorp).

NM_019032.6(ADAMTSL4):c.963dup (p.Thr322fs)

Genes: ADAMTSL4-AS2 (ADAMTSL4 antisense RNA 2; minus strand), ADAMTSL4 (ADAMTS like 4; plus strand). Cytogenetic location: 1q21.2.
Variant type: Duplication.
Coding change: c.963dup on transcript NM_019032.6 (MANE Select); coding-DNA position 963, one base duplicated (G; older notation c.963dupG).
Protein change: p.Thr322fs; shifts the reading frame from threonine 322.
Molecular consequence: frameshift variant.
Genome position (GRCh38, 1-based): chr1:150,553,954, G duplicated; the last of 7 consecutive G bases (chr1:150,553,948-150,553,954); duplicating any one gives the same sequence. VCF-style (leftmost placement, unchanged base first): chr1-150553947-C-CG. GRCh37 (hg19) VCF-style: chr1-150526423-C-CG.
Other names: c.963dupG (NM_019032.6, NM_019032.5); c.963dup, p.Thr322fs (NM_001288607.2, NM_001288608.2, NM_001378596.1 and 1 more transcripts); c.963dup (NM_019032.5); short protein forms T322fs.
Identifiers: ClinVar variation 1032056 (VCV001032056.13), dbSNP rs748115277, ClinGen allele CA1078077.